The following is an entry in ClinVar:

NM_014264.5(PLK4):c.1723G>T (p.Gly575Cys)

Gene: PLK4 (polo like kinase 4; plus strand). Cytogenetic location: 4q28.1.
Variant type: single nucleotide variant.
Coding change: c.1723G>T on transcript NM_014264.5 (MANE Select); coding-DNA position 1723, G replaced by T.
Protein change: p.Gly575Cys; replaces glycine 575 with cysteine.
Molecular consequence: missense variant.
Genome position (GRCh38, 1-based): chr4:127,890,129, G>T. VCF-style: chr4-127890129-G-T. GRCh37 (hg19) VCF-style: chr4-128811284-G-T.
Other names: c.1627G>T, p.Gly543Cys (NM_001190799.2); c.1600G>T, p.Gly534Cys (NM_001190801.2); short protein forms G575C, G543C, G534C.
Identifiers: ClinVar variation 2000258 (VCV002000258.4), dbSNP rs1173260464, ClinGen allele CA358157119.
Genomic context (GRCh38, chr4:127,890,129, plus strand): 5'-ATAATCCAACAAGAATGTGTTTTTGGCTCAGATCCTCTTTCTGAACAGAGCAAGACTAGG[G>T]GTATGGAGCCACCATGGGGTTATCAGAATCGTACATTAAGAAGCATTACATCTCCGTTGG-3'
Protein context (NP_055079.3, residues 565-585): DPLSEQSKTR[Gly575Cys]MEPPWGYQNR

ClinVar aggregate classification (germline): Uncertain significance (1 of 4 stars; one submission).

Submission:

Labcorp Genetics (formerly Invitae), Labcorp
Classification: Uncertain significance. Last evaluated: 2022-05-29. Review status: criteria provided, single submitter. Criteria: Invitae Variant Classification Sherloc (09022015). Collection method: clinical testing. Allele origin: germline.
Comment: In summary, the available evidence is currently insufficient to determine the role of this variant in disease. Therefore, it has been classified as a Variant of Uncertain Significance. Algorithms developed to predict the effect of sequence changes on RNA splicing suggest that this variant may disrupt the consensus splice site. Algorithms developed to predict the effect of missense changes on protein structure and function are either unavailable or do not agree on the potential impact of this missense change (SIFT: "Deleterious"; PolyPhen-2: "Benign"; Align-GVGD: "Class C0"). This variant has not been reported in the literature in individuals affected with PLK4-related conditions. This variant is not present in population databases (gnomAD no frequency). This sequence change replaces glycine, which is neutral and non-polar, with cysteine, which is neutral and slightly polar, at codon 575 of the PLK4 protein (p.Gly575Cys).